The following is an entry in ClinVar:

ClinVar aggregate classification (germline): Likely pathogenic (1 of 4 stars; one submission).

Submission:

GeneDx
Classification: Likely pathogenic. Last evaluated: 2018-03-30. Review status: criteria provided, single submitter. Criteria: GeneDx Variant Classification (06012015). Collection method: clinical testing. Allele origin: germline. Affected: yes.
Comment: The E287X variant in the LONP1 gene has not been reported previously as a pathogenic variant nor as a benign variant, to our knowledge. This variant is predicted to cause loss of normal protein function either through protein truncation or nonsense-mediated mRNA decay. The E287X variant is not observed in large population cohorts (Lek et al., 2016). We interpret E287X as a likely pathogenic variant.

NM_004793.4(LONP1):c.859G>T (p.Glu287Ter)

Gene: LONP1 (lon peptidase 1, mitochondrial; minus strand). Cytogenetic location: 19p13.3.
Variant type: single nucleotide variant.
Coding change: c.859G>T on transcript NM_004793.4 (MANE Select); coding-DNA position 859, G replaced by T.
Protein change: p.Glu287Ter; replaces glutamic acid 287 with a stop codon.
Molecular consequence: nonsense. On other transcripts: non-coding transcript variant (1).
Genome position (GRCh38, 1-based): chr19:5,711,782, C>A on the plus strand (G>T on the coding strand, the complement: LONP1 is on the minus strand). VCF-style: chr19-5711782-C-A. GRCh37 (hg19) VCF-style: chr19-5711793-C-A.
Other names: c.667G>T, p.Glu223Ter (NM_001276479.2); c.271G>T, p.Glu91Ter (NM_001276480.1); short protein forms E287*, E223*, E91*.
Identifiers: ClinVar variation 523838 (VCV000523838.2), dbSNP rs1555713236, ClinGen allele CA403538512.